The following is an entry in ClinVar:

ClinVar aggregate classification (germline): Uncertain significance (1 of 4 stars; one submission).

Conditions:
Short-rib thoracic dysplasia 7 with or without polydactyly (SRTD7). Also called: Short rib polydactyly syndrome 5; SHORT-RIB THORACIC DYSPLASIA 7 WITH POLYDACTYLY. Identifiers: Orphanet 498497, Orphanet 93271, MedGen C3279792, MONDO:0013569, OMIM 614091.
Cranioectodermal dysplasia 2 (CED2). Identifiers: Orphanet 1515, MedGen C3150874, MONDO:0013323, OMIM 613610.

Submission:

Labcorp Genetics (formerly Invitae), Labcorp
Classification: Uncertain significance for Cranioectodermal dysplasia 2; Short-rib thoracic dysplasia 7 with or without polydactyly. Last evaluated: 2022-12-26. Review status: criteria provided, single submitter. Criteria: Invitae Variant Classification Sherloc (09022015). Collection method: clinical testing. Allele origin: germline.
Comment: In summary, the available evidence is currently insufficient to determine the role of this variant in disease. Therefore, it has been classified as a Variant of Uncertain Significance. Variants that disrupt the consensus splice site are a relatively common cause of aberrant splicing (PMID: 17576681, 9536098). Experimental studies and prediction algorithms are not available or were not evaluated, and the effect of this variant on mRNA splicing is currently unknown. This variant has not been reported in the literature in individuals affected with WDR35-related conditions. This variant is not present in population databases (gnomAD no frequency). This sequence change falls in intron 24 of the WDR35 gene. It does not directly change the encoded amino acid sequence of the WDR35 protein. It affects a nucleotide within the consensus splice site.

Literature cited by the submitters: PubMed 17576681; PubMed 9536098.

NM_020779.4(WDR35):c.2823+6_2823+298delinsAAA

Gene: WDR35 (WD repeat domain 35; minus strand). Cytogenetic location: 2p24.1.
Variant type: Indel.
Coding change: c.2823+6_2823+298delinsAAA on transcript NM_020779.4 (MANE Select); bases 6 to 298 of the intron after coding-DNA position 2823, the reference bases replaced by AAA.
Molecular consequence: intron variant.
Genome position (GRCh38, 1-based): chr2:19,931,985-19,932,277, 293 bases replaced. GRCh37 (hg19): chr2:20,131,746-20,132,038.
Other names: c.2856+6_2856+298delinsAAA (NM_001006657.2).
Identifiers: ClinVar variation 2942726 (VCV002942726.3), dbSNP rs2527840329, ClinGen allele CA2740092686.